The following is an entry in ClinVar:

NM_001042492.3(NF1):c.478A>T (p.Arg160Trp)

Gene: NF1 (neurofibromin 1; plus strand). Cytogenetic location: 17q11.2.
Variant type: single nucleotide variant.
Coding change: c.478A>T on transcript NM_001042492.3 (MANE Select); coding-DNA position 478, A replaced by T.
Protein change: p.Arg160Trp; replaces arginine 160 with tryptophan.
Molecular consequence: missense variant.
Genome position (GRCh38, 1-based): chr17:31,163,375, A>T. VCF-style: chr17-31163375-A-T. GRCh37 (hg19) VCF-style: chr17-29490393-A-T.
Other names: c.478A>T, p.Arg160Trp (NM_000267.4, NM_001128147.3); short protein forms R160W.
Identifiers: ClinVar variation 2813687 (VCV002813687.4), dbSNP rs1555606128, ClinGen allele CA398982210.

ClinVar aggregate classification (germline): Uncertain significance. Review status: criteria provided, multiple submitters, no conflicts (2 of 4 stars). 2 submissions from 2 submitters: Uncertain significance (2). Last evaluated 2026-04-23.

Conditions:
Neurofibromatosis, type 1 (NF1). Also called: Peripheral type neurofibromatosis; Neurofibromatosis, type I; VON RECKLINGHAUSEN DISEASE; NEUROFIBROMATOSIS, TYPE I, SOMATIC. Identifiers: Orphanet 636, MedGen C0027831, MONDO:0018975, OMIM 162200. Disease mechanism: loss of function.

Submissions (2):

GeneDx
Classification: Uncertain significance. Last evaluated: 2026-04-23. Review status: criteria provided, single submitter. Criteria: GeneDx Variant Classification Process June 2021. Collection method: clinical testing. Allele origin: germline.
Comment: Not observed in large population cohorts (gnomAD); In silico analysis supports that this missense variant has a deleterious effect on protein structure/function; Has not been previously published as pathogenic or benign to our knowledge

Labcorp Genetics (formerly Invitae), Labcorp
Classification: Uncertain significance for Neurofibromatosis, type 1. Last evaluated: 2022-12-25. Review status: criteria provided, single submitter. Criteria: Invitae Variant Classification Sherloc (09022015). Collection method: clinical testing. Allele origin: germline.
Comment: This variant disrupts the p.Arg160 amino acid residue in NF1. Other variant(s) that disrupt this residue have been observed in individuals with NF1-related conditions (PMID: 31766501; Invitae), which suggests that this may be a clinically significant amino acid residue. In summary, the available evidence is currently insufficient to determine the role of this variant in disease. Therefore, it has been classified as a Variant of Uncertain Significance. Algorithms developed to predict the effect of missense changes on protein structure and function are either unavailable or do not agree on the potential impact of this missense change (SIFT: "Deleterious"; PolyPhen-2: "Possibly Damaging"; Align-GVGD: "Class C0"). This missense change has been observed in individual(s) with Neurofibromatosis, type 1 (Invitae). This variant is not present in population databases (gnomAD no frequency). This sequence change replaces arginine, which is basic and polar, with tryptophan, which is neutral and slightly polar, at codon 160 of the NF1 protein (p.Arg160Trp).

Literature cited by the submitters: PubMed 31766501 (cited by Labcorp Genetics (formerly Invitae), Labcorp).